The following is an entry in ClinVar:

NM_004656.4(BAP1):c.1833G>C (p.Glu611Asp)

Gene: BAP1 (BRCA1 associated deubiquitinase 1; minus strand). Cytogenetic location: 3p21.1.
Variant type: single nucleotide variant.
Coding change: c.1833G>C on transcript NM_004656.4 (MANE Select); coding-DNA position 1833, G replaced by C.
Protein change: p.Glu611Asp; replaces glutamic acid 611 with aspartic acid.
Molecular consequence: missense variant.
Genome position (GRCh38, 1-based): chr3:52,403,195, C>G on the plus strand (G>C on the coding strand, the complement: BAP1 is on the minus strand). VCF-style: chr3-52403195-C-G. GRCh37 (hg19) VCF-style: chr3-52437211-C-G.
Other names: short protein forms E611D.
Identifiers: ClinVar variation 620598 (VCV000620598.29), dbSNP rs771494475, ClinGen allele CA2436706.

ClinVar aggregate classification (germline): Conflicting classifications of pathogenicity. Review status: criteria provided, conflicting classifications (1 of 4 stars). 8 submissions from 8 submitters: Uncertain significance (6); Likely benign (2). Last evaluated 2025-11-12.

Conditions:
Ganglioglioma. Also called: Mixed cell tumors containing both neural ganglionic cells and neural glial cell components. Identifiers: Orphanet 251949, MedGen C0206716, MONDO:0016733, HP:0033664.
Hereditary cancer-predisposing syndrome. Also called: Neoplastic Syndromes, Hereditary; Tumor predisposition; Hereditary neoplastic syndrome; Hereditary Cancer Syndrome. Identifiers: Orphanet 140162, MedGen C0027672, MeSH D009386, MONDO:0015356.
BAP1-related tumor predisposition syndrome (TPDS1). Also called: Tumor susceptibility linked to germline BAP1 mutations; BAP1 tumor predisposition syndrome; COMMON Syndrome; TUMOR PREDISPOSITION SYNDROME 1. Identifiers: Orphanet 289539, MedGen C3280492, MONDO:0013692, OMIM 614327.
BAP1-related disorder. Also called: BAP1-related condition.

Allele frequency attached by ClinVar (database versions not stated): gnomAD 0.00001; TOPMed 0.00001; ExAC 0.00002.
gnomAD v4.1: 14 of 1,614,094 alleles (0.00087%); highest among the groups gnomAD compares: Non-Finnish European, 0.0012%; no homozygotes.

Submissions (8):

Labcorp Genetics (formerly Invitae), Labcorp
Classification: Uncertain significance for BAP1-related tumor predisposition syndrome. Last evaluated: 2025-11-12. Review status: criteria provided, single submitter. Criteria: Invitae Variant Classification Sherloc (09022015). Collection method: clinical testing. Allele origin: germline.
Comment: This sequence change replaces glutamic acid, which is acidic and polar, with aspartic acid, which is acidic and polar, at codon 611 of the BAP1 protein (p.Glu611Asp). This variant is present in population databases (rs771494475, gnomAD 0.003%). This variant has not been reported in the literature in individuals affected with BAP1-related conditions. ClinVar contains an entry for this variant (Variation ID: 620598). Invitae Evidence Modeling of protein sequence and biophysical properties (such as structural, functional, and spatial information, amino acid conservation, physicochemical variation, residue mobility, and thermodynamic stability) indicates that this missense variant is not expected to disrupt BAP1 protein function with a negative predictive value of 80%. In summary, the available evidence is currently insufficient to determine the role of this variant in disease. Therefore, it has been classified as a Variant of Uncertain Significance.

PreventionGenetics, part of Exact Sciences
Classification: Uncertain significance for BAP1-related condition. Last evaluated: 2025-08-27. Review status: criteria provided, single submitter. Criteria: ACMG Guidelines, 2015. Collection method: clinical testing. Allele origin: germline.
Comment: The BAP1 c.1833G>C variant is predicted to result in the amino acid substitution p.Glu611Asp. To our knowledge, this variant has not been reported in the literature. This variant is reported in 0.0018% of alleles in individuals of European (Non-Finnish) descent in gnomAD and has conflicting interpretations in ClinVar, ranging from uncertain to likely benign (Variation ID: 620598). At this time, the clinical significance of this variant is uncertain due to the absence of conclusive functional and genetic evidence.

Quest Diagnostics Nichols Institute San Juan Capistrano
Classification: Uncertain significance. Last evaluated: 2025-01-28. Review status: criteria provided, single submitter. Criteria: Quest Diagnostics criteria. Collection method: clinical testing. Allele origin: unknown.
Comment: The BAP1 c.1833G>C (p.Glu611Asp) variant has not been reported in individuals with BAP1-related conditions in the published literature. The frequency of this variant in the general population (Genome Aggregation Database) is uninformative in the assessment of its pathogenicity. Analysis of this variant using bioinformatics tools for the prediction of the effect of amino acid changes on protein structure and function yielded predictions that this variant is benign. Based on the available information, we are unable to determine the clinical significance of this variant.

GeneDx
Classification: Uncertain significance. Last evaluated: 2024-08-07. Review status: criteria provided, single submitter. Criteria: GeneDx Variant Classification Process June 2021. Collection method: clinical testing. Allele origin: germline. Affected: yes.
Comment: Not observed at significant frequency in large population cohorts (gnomAD); In silico analysis indicates that this missense variant does not alter protein structure/function; Has not been previously published as pathogenic or benign to our knowledge

Myriad Genetics, Inc.
Classification: Likely benign for BAP1-related tumor predisposition syndrome. Last evaluated: 2024-07-17. Review status: criteria provided, single submitter. Criteria: Myriad Autosomal Dominant, Autosomal Recessive and X-Linked Classification Criteria (2023). Collection method: clinical testing. Allele origin: unknown.
Comment: This variant is considered likely benign. This variant has been observed at a population frequency that is significantly greater than expected given the associated disease prevalence and penetrance.

Color Diagnostics, LLC DBA Color Health
Classification: Uncertain significance for Hereditary cancer-predisposing syndrome. Last evaluated: 2024-03-06. Review status: criteria provided, single submitter. Criteria: ACMG Guidelines, 2015. Collection method: clinical testing. Allele origin: germline.
Comment: This missense variant replaces glutamic acid with aspartic acid at codon 611 of the BAP1 protein. Computational prediction suggests that this variant may not impact protein structure and function (internally defined REVEL score threshold <= 0.5, PMID: 27666373). To our knowledge, functional studies have not been reported for this variant. This variant has not been reported in individuals affected with hereditary cancer in the literature. This variant has been identified in 2/251440 chromosomes in the general population by the Genome Aggregation Database (gnomAD). The available evidence is insufficient to determine the role of this variant in disease conclusively. Therefore, this variant is classified as a Variant of Uncertain Significance.

Ambry Genetics
Classification: Likely benign for Hereditary cancer-predisposing syndrome. Last evaluated: 2023-12-18. Review status: criteria provided, single submitter. Criteria: Ambry Variant Classification Scheme 2023. Collection method: clinical testing. Allele origin: germline.

St. Jude Molecular Pathology, St. Jude Children's Research Hospital
Classification: Uncertain significance for Ganglioglioma. Last evaluated: 2016-07-21. Review status: criteria provided, single submitter. Criteria: ACMG Guidelines, 2015. Collection method: clinical testing. Allele origin: germline. Affected: yes.